The following is an entry in ClinVar:

NM_002890.3(RASA1):c.2161G>A (p.Glu721Lys)

Genes: CCNH (cyclin H; minus strand), RASA1 (RAS p21 protein activator 1; plus strand). Cytogenetic location: 5q14.3.
Variant type: single nucleotide variant.
Coding change: c.2161G>A on transcript NM_002890.3 (MANE Select); coding-DNA position 2161, G replaced by A.
Protein change: p.Glu721Lys; replaces glutamic acid 721 with lysine.
Molecular consequence: missense variant. On other transcripts: intron variant (1).
Genome position (GRCh38, 1-based): chr5:87,376,542, G>A. VCF-style: chr5-87376542-G-A. GRCh37 (hg19) VCF-style: chr5-86672359-G-A.
Other names: c.1630G>A, p.Glu544Lys (NM_022650.3); c.933+18502C>T (NM_001364075.2); short protein forms E544K, E721K.
Identifiers: ClinVar variation 1719105 (VCV001719105.7), dbSNP rs2531347972, ClinGen allele CA360379480.

ClinVar aggregate classification (germline): Uncertain significance. Review status: criteria provided, multiple submitters, no conflicts (2 of 4 stars). 2 submissions from 2 submitters: Uncertain significance (2). Last evaluated 2025-10-19.

Conditions:
Capillary malformation-arteriovenous malformation 1 (CMAVM1). Identifiers: Orphanet 137667, Orphanet 693907, MedGen C4747394, MONDO:0020783, OMIM 608354.
Capillary malformation-arteriovenous malformation syndrome. Also called: Capillary malformation-arteriovenous malformation. Identifiers: Orphanet 137667, MedGen C1842180, MONDO:0012016.

Submissions (2):

Clinical Genomics Laboratory, Washington University in St. Louis
Classification: Uncertain significance for Capillary malformation-arteriovenous malformation 1. Last evaluated: 2025-10-19. Review status: criteria provided, single submitter. Criteria: ACMG Guidelines, 2015. Collection method: clinical testing. Allele origin: germline.
Comment: A RASA1 c.2161G>A (p.Glu721Lys) variant was identified at a heterozygous allelic fraction of 54.4%, a frequency which may be consistent with it being of germline origin. This variant, to our knowledge, has not been reported in the medical literature. It is absent from the general population (gnomAD v4.1.0), indicating it is not a common variant. This variant has been reported in the ClinVar database as a germline variant of uncertain significance by one submitter (Variation ID: 1719105). Due to limited information, and based on ACMG/AMP guidelines for variant interpretation (Richards S et al., PMID: 25741868), the clinical significance of this variant is uncertain at this time.

Labcorp Genetics (formerly Invitae), Labcorp
Classification: Uncertain significance for Capillary malformation-arteriovenous malformation syndrome. Last evaluated: 2022-12-14. Review status: criteria provided, single submitter. Criteria: Invitae Variant Classification Sherloc (09022015). Collection method: clinical testing. Allele origin: germline.
Comment: In summary, the available evidence is currently insufficient to determine the role of this variant in disease. Therefore, it has been classified as a Variant of Uncertain Significance. Algorithms developed to predict the effect of sequence changes on RNA splicing suggest that this variant may create or strengthen a splice site. Algorithms developed to predict the effect of missense changes on protein structure and function (SIFT, PolyPhen-2, Align-GVGD) all suggest that this variant is likely to be tolerated. ClinVar contains an entry for this variant (Variation ID: 1719105). This variant has not been reported in the literature in individuals affected with RASA1-related conditions. This variant is not present in population databases (gnomAD no frequency). This sequence change replaces glutamic acid, which is acidic and polar, with lysine, which is basic and polar, at codon 721 of the RASA1 protein (p.Glu721Lys).